The following is an entry in ClinVar:

NM_025132.4(WDR19):c.1357-10T>C

Gene: WDR19 (WD repeat domain 19; plus strand). Cytogenetic location: 4p14.
Variant type: single nucleotide variant.
Coding change: c.1357-10T>C on transcript NM_025132.4 (MANE Select); 10 bases into the intron before coding-DNA position 1357, T replaced by C.
Molecular consequence: intron variant.
Genome position (GRCh38, 1-based): chr4:39,217,973, T>C. VCF-style: chr4-39217973-T-C. GRCh37 (hg19) VCF-style: chr4-39219593-T-C.
Other names: p.?; c.877-10T>C (NM_001317924.2).
Identifiers: ClinVar variation 261857 (VCV000261857.37), dbSNP rs16995189, ClinGen allele CA2891831.
Genomic context (GRCh38, chr4:39,217,973, plus strand): 5'-CACCCCTAGATGTTGTATAGATGGTTTACTCAAATAAATCTGTGAGCCATTATTATTCTT[T>C]ACGTTTTAGATAGAAAGCGAAATCTTGGATGCTCAAGAAGAACGTGAGACTCGGCTTTTC-3'

ClinVar aggregate classification (germline): Benign. Review status: criteria provided, multiple submitters, no conflicts (2 of 4 stars). 15 submissions from 11 submitters: Benign (13). 2 of the submissions do not count toward it. Last evaluated 2026-02-01.

Conditions:
Senior-Loken syndrome 8 (SLSN8). Identifiers: Orphanet 3156, MedGen C4225376, MONDO:0014579, OMIM 616307.
Asphyxiating thoracic dystrophy 5 (SRTD5). Also called: SHORT-RIB THORACIC DYSPLASIA 5 WITHOUT POLYDACTYLY; SHORT-RIB THORACIC DYSPLASIA 5 WITH OR WITHOUT POLYDACTYLY. Identifiers: Orphanet 474, MedGen C3280598, MONDO:0013717, OMIM 614376.
Connective tissue disorder. Also called: Connective tissue disease. Identifiers: MedGen C0009782, MONDO:0003900.
Nephronophthisis 13 (NPHP13). Identifiers: Orphanet 655, MedGen C3280612, MONDO:0013718, OMIM 614377.
Cranioectodermal dysplasia 4 (CED4). Identifiers: Orphanet 1515, MedGen C3280616, MONDO:0013719, OMIM 614378.

Allele frequency attached by ClinVar (database versions not stated): gnomAD exomes 0.00222 and 0.00672; ExAC 0.00732; ESP Exome Variant Server 0.01613; gnomAD 0.01716 and 0.01827; 1000 Genomes Project 30x 0.01983; 1000 Genomes Project 0.01997; TOPMed 0.01999.
gnomAD v4.1: 5,972 of 1,613,314 alleles (0.37%); highest among the groups gnomAD compares: African/African-American, 5.6%; 139 homozygotes.

Submissions (15):

Labcorp Genetics (formerly Invitae), Labcorp
Classification: Benign for Senior-Loken syndrome 8; Asphyxiating thoracic dystrophy 5. Last evaluated: 2026-02-01. Review status: criteria provided, single submitter. Criteria: Invitae Variant Classification Sherloc (09022015). Collection method: clinical testing. Allele origin: germline.

ARUP Laboratories, Molecular Genetics and Genomics, ARUP Laboratories
Classification: Benign. Last evaluated: 2023-10-11. Review status: criteria provided, single submitter. Criteria: ARUP Molecular Germline Variant Investigation Process 2024. Collection method: clinical testing. Allele origin: germline.

Mayo Clinic Laboratories, Mayo Clinic
Classification: Benign. Last evaluated: 2023-04-03. Review status: criteria provided, single submitter. Criteria: ACMG Guidelines, 2015. Collection method: clinical testing. Allele origin: germline. Observed: 3 variant alleles.

Genome Diagnostics Laboratory, The Hospital for Sick Children
Classification: Benign for Connective tissue disorder. Last evaluated: 2022-05-13. Review status: criteria provided, single submitter. Criteria: ACMG Guidelines, 2015. Collection method: clinical testing. Allele origin: germline.

Genome-Nilou Lab
Classification: Benign for Cranioectodermal dysplasia 4. Last evaluated: 2021-12-05. Review status: criteria provided, single submitter. Criteria: ACMG Guidelines, 2015. Collection method: clinical testing. Allele origin: germline. Affected: no.

Genome-Nilou Lab
Classification: Benign for Nephronophthisis 13. Last evaluated: 2021-12-05. Review status: criteria provided, single submitter. Criteria: ACMG Guidelines, 2015. Collection method: clinical testing. Allele origin: germline. Affected: no.

Genome-Nilou Lab
Classification: Benign for Senior-Loken syndrome 8. Last evaluated: 2021-12-05. Review status: criteria provided, single submitter. Criteria: ACMG Guidelines, 2015. Collection method: clinical testing. Allele origin: germline. Affected: no.

Genome-Nilou Lab
Classification: Benign for Asphyxiating thoracic dystrophy 5. Last evaluated: 2021-12-05. Review status: criteria provided, single submitter. Criteria: ACMG Guidelines, 2015. Collection method: clinical testing. Allele origin: germline. Affected: no.

GeneDx
Classification: Benign. Last evaluated: 2021-05-06. Review status: criteria provided, single submitter. Criteria: GeneDx Variant Classification Process June 2021. Collection method: clinical testing. Allele origin: germline. Affected: yes.

Illumina Laboratory Services, Illumina
Classification: Benign for Cranioectodermal dysplasia 4. Last evaluated: 2018-01-12. Review status: criteria provided, single submitter. Criteria: ICSL Variant Classification Criteria 13 December 2019. Collection method: clinical testing. Allele origin: germline.
Comment: This variant was observed in the ICSL laboratory as part of a predisposition screen in an ostensibly healthy population. It had not been previously curated by ICSL or reported in the Human Gene Mutation Database (HGMD: prior to June 1st, 2018), and was therefore a candidate for classification through an automated scoring system. Utilizing variant allele frequency, disease prevalence and penetrance estimates, and inheritance mode, an automated score was calculated to assess if this variant is too frequent to cause the disease. Based on the score and internal cut-off values, a variant classified as benign is not then subjected to further curation. The score for this variant resulted in a classification of benign for this disease.

Illumina Laboratory Services, Illumina
Classification: Benign for Asphyxiating thoracic dystrophy 5. Last evaluated: 2018-01-12. Review status: criteria provided, single submitter. Criteria: ICSL Variant Classification Criteria 13 December 2019. Collection method: clinical testing. Allele origin: germline.
Comment: the same text as in the submission from Illumina Laboratory Services, Illumina above.

Breakthrough Genomics
Classification: Benign. Review status: criteria provided, single submitter. Criteria: ACMG Guidelines, 2015. Collection method: not provided. Allele origin: germline. Inheritance: Autosomal recessive inheritance. Affected: yes.

PreventionGenetics, part of Exact Sciences
Classification: Benign. Review status: criteria provided, single submitter. Criteria: ACMG Guidelines, 2015. Collection method: clinical testing. Allele origin: germline.

Clinical Genetics DNA and cytogenetics Diagnostics Lab, Erasmus MC, Erasmus Medical Center
Classification: Likely benign. Review status: no assertion criteria provided. Collection method: clinical testing. Allele origin: germline. Affected: yes. Study: VKGL Data-share Consensus. Not counted in ClinVar's aggregate classification.

Genome Diagnostics Laboratory, University Medical Center Utrecht
Classification: Benign. Review status: no assertion criteria provided. Collection method: clinical testing. Allele origin: germline. Affected: yes. Study: VKGL Data-share Consensus. Not counted in ClinVar's aggregate classification.